The following is an entry in ClinVar:

ClinVar aggregate classification (germline): Uncertain significance. Review status: criteria provided, multiple submitters, no conflicts (2 of 4 stars). 2 submissions from 2 submitters: Uncertain significance (2). Last evaluated 2025-02-24.

Conditions:
Inborn genetic diseases. Identifiers: MedGen C0950123, MeSH D030342.

Allele frequency attached by ClinVar (database versions not stated): gnomAD exomes 0.00001; TOPMed 0.00001; ExAC 0.00002.
gnomAD v4.1: 22 of 1,614,212 alleles (0.0014%); highest among the groups gnomAD compares: South Asian, 0.0022%; no homozygotes.

Submissions (2):

Ambry Genetics
Classification: Uncertain significance for Inborn genetic diseases. Last evaluated: 2025-02-24. Review status: criteria provided, single submitter. Criteria: Ambry Variant Classification Scheme 2023. Collection method: clinical testing. Allele origin: germline.

Labcorp Genetics (formerly Invitae), Labcorp
Classification: Uncertain significance. Last evaluated: 2022-06-04. Review status: criteria provided, single submitter. Criteria: Invitae Variant Classification Sherloc (09022015). Collection method: clinical testing. Allele origin: germline.
Comment: Algorithms developed to predict the effect of missense changes on protein structure and function are either unavailable or do not agree on the potential impact of this missense change (SIFT: "Deleterious"; PolyPhen-2: "Probably Damaging"; Align-GVGD: "Class C15"). This variant is present in population databases (rs747757406, gnomAD 0.01%). This variant has not been reported in the literature in individuals affected with TRPM1-related conditions. ClinVar contains an entry for this variant (Variation ID: 1054683). In summary, the available evidence is currently insufficient to determine the role of this variant in disease. Therefore, it has been classified as a Variant of Uncertain Significance. This sequence change replaces valine, which is neutral and non-polar, with methionine, which is neutral and non-polar, at codon 716 of the TRPM1 protein (p.Val716Met).

NM_001252024.2(TRPM1):c.2212G>A (p.Val738Met)

Gene: TRPM1 (transient receptor potential cation channel subfamily M member 1; minus strand). Cytogenetic location: 15q13.3.
Variant type: single nucleotide variant.
Coding change: c.2212G>A on transcript NM_001252024.2 (MANE Select); coding-DNA position 2212, G replaced by A.
Protein change: p.Val738Met; replaces valine 738 with methionine.
Molecular consequence: missense variant.
Genome position (GRCh38, 1-based): chr15:31,040,222, C>T on the plus strand (G>A on the coding strand, the complement: TRPM1 is on the minus strand). VCF-style: chr15-31040222-C-T. GRCh37 (hg19) VCF-style: chr15-31332425-C-T.
Other names: c.2263G>A, p.Val755Met (NM_001252020.2); c.2146G>A, p.Val716Met (NM_002420.6); c.2146G>A (NM_002420.4); short protein forms V716M, V738M, V755M.
Identifiers: ClinVar variation 1054683 (VCV001054683.9), dbSNP rs747757406, ClinGen allele CA7452286.
Genomic context (GRCh38, chr15:31,040,222, plus strand): 5'-TATCGGTCAGCAGCATCTGGCTGCAGGTGTGAGCAATGAAGTCCCGGTGTTTGGCTGCCA[C>T]GGCCAGTTTGAGGCAGGTCGAGTTGCTCCAGTTTTTCAGCTCGTAGGTCAGGAGTTTCAT-3'
Protein context (NP_001238953.1, residues 728-748): WSNSTCLKLA[Val738Met]AAKHRDFIAH